The following is an entry in ClinVar:

ClinVar aggregate classification (germline): Pathogenic (1 of 4 stars; one submission).

Conditions:
Epilepsy, familial focal, with variable foci 3 (FFEVF3). Identifiers: MedGen C4310708, MONDO:0014925, OMIM 617118.

Submission:

Labcorp Genetics (formerly Invitae), Labcorp
Classification: Pathogenic for Epilepsy, familial focal, with variable foci 3. Last evaluated: 2024-04-25. Review status: criteria provided, single submitter. Criteria: Invitae Variant Classification Sherloc (09022015). Collection method: clinical testing. Allele origin: germline.
Comment: This sequence change creates a premature translational stop signal (p.Tyr26*) in the NPRL3 gene. It is expected to result in an absent or disrupted protein product. Loss-of-function variants in NPRL3 are known to be pathogenic (PMID: 26285051, 26505888). This variant is not present in population databases (gnomAD no frequency). This premature translational stop signal has been observed in individual(s) with focal seizures (PMID: 31594065). ClinVar contains an entry for this variant (Variation ID: 1404496). For these reasons, this variant has been classified as Pathogenic.

Literature cited by the submitters: PubMed 26285051; PubMed 26505888; PubMed 31594065.

NM_001077350.3(NPRL3):c.78C>A (p.Tyr26Ter)

Genes: HBA-LCR (alpha-globin locus control region; plus strand), NPRL3 (NPR3 like, GATOR1 complex subunit; minus strand). Cytogenetic location: 16p13.3.
Variant type: single nucleotide variant.
Coding change: c.78C>A on transcript NM_001077350.3 (MANE Select); coding-DNA position 78, C replaced by A.
Protein change: p.Tyr26Ter; replaces tyrosine 26 with a stop codon.
Molecular consequence: nonsense. On other transcripts: 5 prime UTR variant (2).
Genome position (GRCh38, 1-based): chr16:138,190, G>T on the plus strand (C>A on the coding strand, the complement: NPRL3 is on the minus strand). VCF-style: chr16-138190-G-T. GRCh37 (hg19) VCF-style: chr16-188189-G-T.
Other names: c.-255C>A (NM_001039476.3); c.-294C>A (NM_001243247.2); c.78C>A, p.Tyr26Ter (NM_001243248.2, NM_001243249.2); short protein forms Y26*.
Identifiers: ClinVar variation 1404496 (VCV001404496.8), dbSNP rs2141995468, ClinGen allele CA393999564.
Genomic context (GRCh38, chr16:138,190, plus strand): 5'-CCCGCCCAGCGCTCACTTACTTGTCTGGGACGCCGGGTGCTCCTGGCTTCTCTGGAAGGG[G>T]TACCTGAACAGCAGCTTATTGCCCCTGCTCCCCGAGCTCACCAGAATCACGCTGATGGGG-3'